The following is an entry in ClinVar:

ClinVar aggregate classification (germline): Pathogenic (1 of 4 stars; one submission).

Conditions:
Joubert syndrome and related disorders. Identifiers: Orphanet 140874, MedGen C5679612, MONDO:0015369.

gnomAD v4.1: 2 of 1,613,914 alleles (0.00012%); highest among the groups gnomAD compares: Non-Finnish European, 0.00017%; no homozygotes.

Submission:

Myriad Genetics, Inc.
Classification: Pathogenic for Joubert syndrome and related disorders. Last evaluated: 2024-12-22. Review status: criteria provided, single submitter. Criteria: Myriad Autosomal Dominant, Autosomal Recessive and X-Linked Classification Criteria (2023). Collection method: clinical testing. Allele origin: unknown.
Comment: NM_001080522.2(CC2D2A):c.1651G>T(E551*) is expected to be pathogenic in the context of CC2D2A-related disorders. This variant is predicted to lead to an abnormal or absent protein product due to the creation of a premature termination codon in CC2D2A, a gene where loss-of-function variants are known to be pathogenic. Please note: this variant was assessed in the context of healthy population screening.

NM_001378615.1(CC2D2A):c.1651G>T (p.Glu551Ter)

Genes: CC2D2A (coiled-coil and C2 domain containing 2A; plus strand), FBXL5 (F-box and leucine rich repeat protein 5; minus strand). Cytogenetic location: 4p15.32.
Variant type: single nucleotide variant.
Coding change: c.1651G>T on transcript NM_001378615.1 (MANE Select); coding-DNA position 1651, G replaced by T.
Protein change: p.Glu551Ter; replaces glutamic acid 551 with a stop codon.
Molecular consequence: nonsense.
Genome position (GRCh38, 1-based): chr4:15,536,963, G>T. VCF-style: chr4-15536963-G-T. GRCh37 (hg19) VCF-style: chr4-15538586-G-T.
Other names: c.1651G>T, p.Glu551Ter (NM_001080522.2); c.1504G>T, p.Glu502Ter (NM_001378617.1); short protein forms E502*, E551*.
Identifiers: ClinVar variation 5013886 (VCV005013886.1).
Genomic context (GRCh38, chr4:15,536,963, plus strand): 5'-TACAAATTATTTTAAAGGGAAAAAGCTGACCAGAAAGCAGATGAAGAAGCATATGAAGCA[G>T]AAATTCAAGCTGAAATAAGTGAACTGTTAGAAGAGCACACGGAGGAGTACGCACAGAAGA-3'